The following is an entry in ClinVar:

NM_016169.4(SUFU):c.1053C>G (p.Ser351Arg)

Gene: SUFU (SUFU negative regulator of hedgehog signaling; plus strand). Cytogenetic location: 10q24.32.
Variant type: single nucleotide variant.
Coding change: c.1053C>G on transcript NM_016169.4 (MANE Select); coding-DNA position 1053, C replaced by G.
Protein change: p.Ser351Arg; replaces serine 351 with arginine.
Molecular consequence: missense variant.
Genome position (GRCh38, 1-based): chr10:102,615,298, C>G. VCF-style: chr10-102615298-C-G. GRCh37 (hg19) VCF-style: chr10-104375055-C-G.
Other names: c.1053C>G, p.Ser351Arg (NM_001178133.2); short protein forms S351R.
Identifiers: ClinVar variation 1777780 (VCV001777780.2), dbSNP rs1171106782, ClinGen allele CA377913815.
Genomic context (GRCh38, chr10:102,615,298, plus strand): 5'-GCCGAACCTTTTCCTGTGCTTGCTTCACAGGAGCCGCAAAGACAGCCTGGAAAGTGACAG[C>G]TCCACGGCCATCATTCCCCATGAGCTGATTCGCACGCGGCAGCTTGAGAGCGTACATCTG-3'
Protein context (NP_057253.2, residues 341-361): PSRKDSLESD[Ser351Arg]STAIIPHELI

ClinVar aggregate classification (germline): Uncertain significance (1 of 4 stars; one submission).

Conditions:
Hereditary cancer-predisposing syndrome. Also called: Neoplastic Syndromes, Hereditary; Tumor predisposition; Hereditary Cancer Syndrome; Hereditary neoplastic syndrome. Identifiers: Orphanet 140162, MedGen C0027672, MeSH D009386, MONDO:0015356.

Submission:

Ambry Genetics
Classification: Uncertain significance for Hereditary cancer-predisposing syndrome. Last evaluated: 2022-04-01. Review status: criteria provided, single submitter. Criteria: Ambry Variant Classification Scheme 2023. Collection method: clinical testing. Allele origin: germline.
Comment: The p.S351R variant (also known as c.1053C>G), located in coding exon 9 of the SUFU gene, results from a C to G substitution at nucleotide position 1053. The serine at codon 351 is replaced by arginine, an amino acid with dissimilar properties. This amino acid position is conserved. In addition, this alteration is predicted to be tolerated by in silico analysis. Since supporting evidence is limited at this time, the clinical significance of this alteration remains unclear.